The following is an entry in ClinVar:

NM_000059.4(BRCA2):c.9776T>G (p.Ile3259Ser)

Gene: BRCA2 (BRCA2 DNA repair associated; plus strand). Cytogenetic location: 13q13.1.
Variant type: single nucleotide variant.
Coding change: c.9776T>G on transcript NM_000059.4 (MANE Select); coding-DNA position 9776, T replaced by G.
Protein change: p.Ile3259Ser; replaces isoleucine 3259 with serine.
Molecular consequence: missense variant.
Genome position (GRCh38, 1-based): chr13:32,398,289, T>G. VCF-style: chr13-32398289-T-G. GRCh37 (hg19) VCF-style: chr13-32972426-T-G.
Other names: c.9680T>G, p.Ile3227Ser (NM_001406719.1); c.9725T>G, p.Ile3242Ser (NM_001406720.1); c.4844T>G, p.Ile1615Ser (NM_001406721.1); c.3359T>G, p.Ile1120Ser (NM_001406722.1); short protein forms I3227S, I3242S, I1120S, I3259S, I1615S.
Identifiers: ClinVar variation 1768153 (VCV001768153.2), dbSNP rs879255305, ClinGen allele CA387765859.

ClinVar aggregate classification (germline): Uncertain significance (1 of 4 stars; one submission).

Conditions:
Hereditary cancer-predisposing syndrome. Also called: Hereditary Cancer Syndrome; Hereditary neoplastic syndrome; Neoplastic Syndromes, Hereditary; Tumor predisposition. Identifiers: Orphanet 140162, MedGen C0027672, MeSH D009386, MONDO:0015356.

Submission:

Ambry Genetics
Classification: Uncertain significance for Hereditary cancer-predisposing syndrome. Last evaluated: 2018-08-04. Review status: criteria provided, single submitter. Criteria: Ambry Variant Classification Scheme 2023. Collection method: clinical testing. Allele origin: germline.
Comment: The p.I3259S variant (also known as c.9776T>G), located in coding exon 26 of the BRCA2 gene, results from a T to G substitution at nucleotide position 9776. The isoleucine at codon 3259 is replaced by serine, an amino acid with dissimilar properties. This amino acid position is not well conserved in available vertebrate species. In addition, this alteration is predicted to be tolerated by in silico analysis. Since supporting evidence is limited at this time, the clinical significance of this alteration remains unclear.